The following is an entry in ClinVar:

NM_005359.6(SMAD4):c.1339A>C (p.Met447Leu)

Gene: SMAD4 (SMAD family member 4; plus strand). Cytogenetic location: 18q21.2.
Variant type: single nucleotide variant.
Coding change: c.1339A>C on transcript NM_005359.6 (MANE Select); coding-DNA position 1339, A replaced by C.
Protein change: p.Met447Leu; replaces methionine 447 with leucine.
Molecular consequence: missense variant.
Genome position (GRCh38, 1-based): chr18:51,076,668, A>C. VCF-style: chr18-51076668-A-C. GRCh37 (hg19) VCF-style: chr18-48603038-A-C.
Other names: short protein forms M447L.
Identifiers: ClinVar variation 628325 (VCV000628325.14), dbSNP rs1568211184, ClinGen allele CA402465168.
Genomic context (GRCh38, chr18:51,076,668, plus strand): 5'-CTCATAGTATGAAATGTTTTTTCTTAAAAGGTCTTTGATTTGCGTCAGTGTCATCGACAG[A>C]TGCAGCAGCAGGCGGCTACTGCACAAGCTGCAGCAGCTGCCCAGGCAGCAGCCGTGGCAG-3'
Protein context (NP_005350.1, residues 437-457): VFDLRQCHRQ[Met447Leu]QQQAATAQAA

ClinVar aggregate classification (germline): Uncertain significance. Review status: criteria provided, multiple submitters, no conflicts (2 of 4 stars). 5 submissions from 5 submitters: Uncertain significance (5). Last evaluated 2024-07-15.

Conditions:
Juvenile polyposis syndrome (JPS). Identifiers: Orphanet 2929, MedGen C0345893, MONDO:0017380, OMIM 174900.
Hereditary cancer-predisposing syndrome. Also called: Hereditary neoplastic syndrome; Neoplastic Syndromes, Hereditary; Tumor predisposition; Hereditary Cancer Syndrome. Identifiers: Orphanet 140162, MedGen C0027672, MeSH D009386, MONDO:0015356.
Familial thoracic aortic aneurysm and aortic dissection (TAAD). Also called: Thoracic aortic aneurysms and dissections. Identifiers: Orphanet 91387, MedGen C4707243, MONDO:0019625.
Myhre syndrome (MYHRS). Also called: LARYNGOTRACHEAL STENOSIS, ARTHROPATHY, PROGNATHISM, AND SHORT STATURE; LAPS SYNDROME. Identifiers: Orphanet 2588, MedGen C0796081, MONDO:0007688, OMIM 139210.
Juvenile polyposis/hereditary hemorrhagic telangiectasia syndrome (JPHT). Also called: Juvenile Polyposis Syndrome / Hereditary Hemorrhagic Telangiectasia (JPS/HHT); JP/HHT SYNDROME; JUVENILE POLYPOSIS WITH HEREDITARY HEMORRHAGIC TELANGIECTASIA; POLYPOSIS, GENERALIZED JUVENILE, WITH PULMONARY ARTERIOVENOUS MALFORMATION; TELANGIECTASIA, HEREDITARY HEMORRHAGIC, WITH JUVENILE POLYPOSIS COLI. Identifiers: Orphanet 2929, MedGen C1832942, MONDO:0008278, OMIM 175050.
Carcinoma of pancreas. Also called: Exocrine pancreatic carcinoma; PANCREATIC ACINAR CARCINOMA; PANCREATIC CARCINOMA; Pancreatic cancer, somatic; Pancreatic carcinoma, somatic. Identifiers: Orphanet 1333, Orphanet 217074, MedGen C0235974, MONDO:0005192. Disease mechanism: loss of function.

Allele frequency attached by ClinVar (database versions not stated): gnomAD exomes below 0.00001.
gnomAD v4.1: 1 of 1,613,988 alleles (0.000062%); highest among the groups gnomAD compares: Non-Finnish European, 0.000085%; no homozygotes.

Submissions (5):

GeneDx
Classification: Uncertain significance. Last evaluated: 2024-07-15. Review status: criteria provided, single submitter. Criteria: GeneDx Variant Classification Process June 2021. Collection method: clinical testing. Allele origin: germline. Affected: yes.
Comment: Not observed at significant frequency in large population cohorts (gnomAD); In silico analysis indicates that this missense variant does not alter protein structure/function; Has not been previously published as pathogenic or benign to our knowledge; This variant is associated with the following publications: (PMID: 17873119, 18823382, 15235019)

Labcorp Genetics (formerly Invitae), Labcorp
Classification: Uncertain significance for Juvenile polyposis syndrome. Last evaluated: 2024-04-07. Review status: criteria provided, single submitter. Criteria: Invitae Variant Classification Sherloc (09022015). Collection method: clinical testing. Allele origin: germline.
Comment: This sequence change replaces methionine, which is neutral and non-polar, with leucine, which is neutral and non-polar, at codon 447 of the SMAD4 protein (p.Met447Leu). This variant is not present in population databases (gnomAD no frequency). This variant has not been reported in the literature in individuals affected with SMAD4-related conditions. ClinVar contains an entry for this variant (Variation ID: 628325). Advanced modeling of protein sequence and biophysical properties (such as structural, functional, and spatial information, amino acid conservation, physicochemical variation, residue mobility, and thermodynamic stability) has been performed at Invitae for this missense variant, however the output from this modeling did not meet the statistical confidence thresholds required to predict the impact of this variant on SMAD4 protein function. In summary, the available evidence is currently insufficient to determine the role of this variant in disease. Therefore, it has been classified as a Variant of Uncertain Significance.

Color Diagnostics, LLC DBA Color Health
Classification: Uncertain significance for Hereditary cancer-predisposing syndrome. Last evaluated: 2023-12-04. Review status: criteria provided, single submitter. Criteria: ACMG Guidelines, 2015. Collection method: clinical testing. Allele origin: germline.
Comment: This missense variant replaces methionine with leucine at codon 447 of the SMAD4 protein. Computational prediction is inconclusive regarding the impact of this variant on protein structure and function (internally defined REVEL score threshold 0.5 < inconclusive < 0.7, PMID: 27666373). To our knowledge, functional studies have not been reported for this variant. This variant has not been reported in individuals affected with SMAD4-related disorders in the literature. This variant has not been identified in the general population by the Genome Aggregation Database (gnomAD). The available evidence is insufficient to determine the role of this variant in disease conclusively. Therefore, this variant is classified as a Variant of Uncertain Significance.

Ambry Genetics
Classification: Uncertain significance for Hereditary cancer-predisposing syndrome; Familial thoracic aortic aneurysm and aortic dissection. Last evaluated: 2022-08-17. Review status: criteria provided, single submitter. Criteria: Ambry Variant Classification Scheme 2023. Collection method: clinical testing. Allele origin: germline.
Comment: The p.M447L variant (also known as c.1339A>C), located in coding exon 10 of the SMAD4 gene, results from an A to C substitution at nucleotide position 1339. The methionine at codon 447 is replaced by leucine, an amino acid with highly similar properties. This amino acid position is highly conserved in available vertebrate species. In addition, this alteration is predicted to be deleterious by in silico analysis. Since supporting evidence is limited at this time, the clinical significance of this alteration remains unclear.

Fulgent Genetics
Classification: Uncertain significance for Myhre syndrome; Juvenile polyposis syndrome; Juvenile polyposis/hereditary hemorrhagic telangiectasia syndrome; Familial pancreatic carcinoma. Last evaluated: 2022-03-03. Review status: criteria provided, single submitter. Criteria: ACMG Guidelines, 2015. Collection method: clinical testing. Allele origin: unknown.